The following is an entry in ClinVar:

NM_013254.4(TBK1):c.944C>A (p.Ser315Ter)

Gene: TBK1 (TANK binding kinase 1; plus strand). Cytogenetic location: 12q14.2.
Variant type: single nucleotide variant.
Coding change: c.944C>A on transcript NM_013254.4 (MANE Select); coding-DNA position 944, C replaced by A.
Protein change: p.Ser315Ter; replaces serine 315 with a stop codon.
Molecular consequence: nonsense.
Genome position (GRCh38, 1-based): chr12:64,481,973, C>A. VCF-style: chr12-64481973-C-A. GRCh37 (hg19) VCF-style: chr12-64875753-C-A.
Other names: short protein forms S315*.
Identifiers: ClinVar variation 2029525 (VCV002029525.4), dbSNP rs369620088, ClinGen allele CA385599400.

ClinVar aggregate classification (germline): Pathogenic (1 of 4 stars; one submission).

Conditions:
Frontotemporal dementia and/or amyotrophic lateral sclerosis 4. Also called: FTDALS4. Identifiers: Orphanet 275872, MedGen C4225325, MONDO:0014641, OMIM 616439.

Submission:

Labcorp Genetics (formerly Invitae), Labcorp
Classification: Pathogenic for Frontotemporal dementia and/or amyotrophic lateral sclerosis 4. Last evaluated: 2022-09-07. Review status: criteria provided, single submitter. Criteria: Invitae Variant Classification Sherloc (09022015). Collection method: clinical testing. Allele origin: germline.
Comment: This sequence change creates a premature translational stop signal (p.Ser315*) in the TBK1 gene. It is expected to result in an absent or disrupted protein product. Loss-of-function variants in TBK1 are known to be pathogenic (PMID: 25803835, 26476236, 26581300). This variant is not present in population databases (gnomAD no frequency). This variant has not been reported in the literature in individuals affected with TBK1-related conditions. Algorithms developed to predict the effect of sequence changes on RNA splicing suggest that this variant may disrupt the consensus splice site. For these reasons, this variant has been classified as Pathogenic.

Literature cited by the submitters: PubMed 25803835; PubMed 26476236; PubMed 26581300.